The following is an entry in ClinVar:

NM_001330691.3(CEP78):c.112C>T (p.Leu38Phe)

Gene: CEP78 (centrosomal protein 78; plus strand). Cytogenetic location: 9q21.2.
Variant type: single nucleotide variant.
Coding change: c.112C>T on transcript NM_001330691.3 (MANE Select); coding-DNA position 112, C replaced by T.
Protein change: p.Leu38Phe; replaces leucine 38 with phenylalanine.
Molecular consequence: missense variant.
Genome position (GRCh38, 1-based): chr9:78,236,462, C>T. VCF-style: chr9-78236462-C-T. GRCh37 (hg19) VCF-style: chr9-80851378-C-T.
Other names: c.112C>T, p.Leu38Phe (NM_001098802.3, NM_001330693.3, NM_001330694.2 and 4 more transcripts); short protein forms L38F.
Identifiers: ClinVar variation 3631217 (VCV003631217.1).

ClinVar aggregate classification (germline): Uncertain significance (1 of 4 stars; one submission).

Submission:

Labcorp Genetics (formerly Invitae), Labcorp
Classification: Uncertain significance. Last evaluated: 2024-11-30. Review status: criteria provided, single submitter. Criteria: Invitae Variant Classification Sherloc (09022015). Collection method: clinical testing. Allele origin: germline.
Comment: This sequence change replaces leucine, which is neutral and non-polar, with phenylalanine, which is neutral and non-polar, at codon 38 of the CEP78 protein (p.Leu38Phe). The frequency data for this variant in the population databases is considered unreliable, as metrics indicate poor data quality at this position in the gnomAD database. This variant has not been reported in the literature in individuals affected with CEP78-related conditions. Invitae Evidence Modeling of protein sequence and biophysical properties (such as structural, functional, and spatial information, amino acid conservation, physicochemical variation, residue mobility, and thermodynamic stability) indicates that this missense variant is not expected to disrupt CEP78 protein function with a negative predictive value of 80%. In summary, the available evidence is currently insufficient to determine the role of this variant in disease. Therefore, it has been classified as a Variant of Uncertain Significance.